The following is an entry in ClinVar:

NM_001366385.1(CARD14):c.675+8G>A

Gene: CARD14 (caspase recruitment domain family member 14; plus strand). Cytogenetic location: 17q25.3.
Variant type: single nucleotide variant.
Coding change: c.675+8G>A on transcript NM_001366385.1 (MANE Select); 8 bases into the intron after coding-DNA position 675, G replaced by A.
Molecular consequence: intron variant.
Genome position (GRCh38, 1-based): chr17:80,184,246, G>A. VCF-style: chr17-80184246-G-A. GRCh37 (hg19) VCF-style: chr17-78158045-G-A.
Other names: c.675+8G>A (NM_024110.4, NM_001257970.1).
Identifiers: ClinVar variation 1636081 (VCV001636081.10), dbSNP rs774718679, ClinGen allele CA8816469.

ClinVar aggregate classification (germline): Likely benign. Review status: criteria provided, single submitter (1 of 4 stars). 2 submissions from 2 submitters: Likely benign (1). 1 of the submissions does not count toward it. Last evaluated 2022-08-09.

Conditions:
CARD14-related disorder. Also called: CARD14-related condition.
Pityriasis rubra pilaris (PRP). Also called: Pityriasis rubra pilaris--familial type. Identifiers: Orphanet 2897, MedGen C0032027, MONDO:0100017, OMIM 173200, MONDO:0008251.
Psoriasis 2. Identifiers: MedGen C1864497, MONDO:0011269, OMIM 602723.

gnomAD v4.1: 13 of 1,511,502 alleles (0.00086%); highest among the groups gnomAD compares: African/African-American, 0.0069%; no homozygotes.

Submissions (2):

Labcorp Genetics (formerly Invitae), Labcorp
Classification: Likely benign for Pityriasis rubra pilaris; Psoriasis 2. Last evaluated: 2022-08-09. Review status: criteria provided, single submitter. Criteria: Invitae Variant Classification Sherloc (09022015). Collection method: clinical testing. Allele origin: germline.

PreventionGenetics, part of Exact Sciences
Classification: Likely benign for CARD14-related condition. Last evaluated: 2019-03-13. Review status: no assertion criteria provided. Collection method: clinical testing. Allele origin: germline. Not counted in ClinVar's aggregate classification.
Comment: This variant is classified as likely benign based on ACMG/AMP sequence variant interpretation guidelines (Richards et al. 2015 PMID: 25741868, with internal and published modifications).